The following is an entry in ClinVar:

ClinVar aggregate classification (germline): Uncertain significance (1 of 4 stars; one submission).

Allele frequency attached by ClinVar (database versions not stated): gnomAD exomes below 0.00001.
gnomAD v4.1: 1 of 1,614,196 alleles (0.000062%); highest among the groups gnomAD compares: Non-Finnish European, 0.000085%; no homozygotes.

Submission:

Labcorp Genetics (formerly Invitae), Labcorp
Classification: Uncertain significance. Last evaluated: 2023-03-17. Review status: criteria provided, single submitter. Criteria: Invitae Variant Classification Sherloc (09022015). Collection method: clinical testing. Allele origin: germline.
Comment: This variant is present in population databases (no rsID available, gnomAD 0.0009%). This variant has not been reported in the literature in individuals affected with FBN3-related conditions. Advanced modeling of protein sequence and biophysical properties (such as structural, functional, and spatial information, amino acid conservation, physicochemical variation, residue mobility, and thermodynamic stability) performed at Invitae indicates that this missense variant is expected to disrupt FBN3 protein function. In summary, the available evidence is currently insufficient to determine the role of this variant in disease. Therefore, it has been classified as a Variant of Uncertain Significance. This sequence change replaces cysteine, which is neutral and slightly polar, with tyrosine, which is neutral and polar, at codon 1002 of the FBN3 protein (p.Cys1002Tyr).

NM_032447.5(FBN3):c.3005G>A (p.Cys1002Tyr)

Gene: FBN3 (fibrillin 3; minus strand). Cytogenetic location: 19p13.2.
Variant type: single nucleotide variant.
Coding change: c.3005G>A on transcript NM_032447.5 (MANE Select); coding-DNA position 3005, G replaced by A.
Protein change: p.Cys1002Tyr; replaces cysteine 1002 with tyrosine.
Molecular consequence: missense variant.
Genome position (GRCh38, 1-based): chr19:8,123,541, C>T on the plus strand (G>A on the coding strand, the complement: FBN3 is on the minus strand). VCF-style: chr19-8123541-C-T. GRCh37 (hg19) VCF-style: chr19-8188425-C-T.
Other names: c.3005G>A, p.Cys1002Tyr (NM_001321431.2); short protein forms C1002Y.
Identifiers: ClinVar variation 2779067 (VCV002779067.3), dbSNP rs1404265758, ClinGen allele CA403692356.